The following is an entry in ClinVar:

NM_000400.4(ERCC2):c.2105C>T (p.Thr702Ile)

Gene: ERCC2 (ERCC excision repair 2, TFIIH core complex helicase subunit; minus strand). Cytogenetic location: 19q13.32.
Variant type: single nucleotide variant.
Coding change: c.2105C>T on transcript NM_000400.4 (MANE Select); coding-DNA position 2105, C replaced by T.
Protein change: p.Thr702Ile; replaces threonine 702 with isoleucine.
Molecular consequence: missense variant.
Genome position (GRCh38, 1-based): chr19:45,352,294, G>A on the plus strand (C>T on the coding strand, the complement: ERCC2 is on the minus strand). VCF-style: chr19-45352294-G-A. GRCh37 (hg19) VCF-style: chr19-45855552-G-A.
Other names: short protein forms T702I.
Identifiers: ClinVar variation 1785980 (VCV001785980.3), dbSNP rs778708101, ClinGen allele CA9512886.

ClinVar aggregate classification (germline): Uncertain significance (1 of 4 stars; one submission).

Conditions:
Inborn genetic diseases. Identifiers: MedGen C0950123, MeSH D030342.

Allele frequency attached by ClinVar (database versions not stated): gnomAD exomes 0.00001; ExAC 0.00002.
gnomAD v4.1: 7 of 1,614,116 alleles (0.00043%); highest among the groups gnomAD compares: East Asian, 0.0067%; no homozygotes.

Submission:

Ambry Genetics
Classification: Uncertain significance for Inborn genetic diseases. Last evaluated: 2024-10-18. Review status: criteria provided, single submitter. Criteria: Ambry Variant Classification Scheme 2023. Collection method: clinical testing. Allele origin: germline.
Comment: The p.T702I variant (also known as c.2105C>T), located in coding exon 22 of the ERCC2 gene, results from a C to T substitution at nucleotide position 2105. The threonine at codon 702 is replaced by isoleucine, an amino acid with similar properties. This amino acid position is conserved. In addition, the in silico prediction for this alteration is inconclusive. Since supporting evidence is limited at this time, the clinical significance of this alteration remains unclear.